The following is an entry in ClinVar:

NM_014241.4(HACD1):c.111G>A (p.Ala37=)

Genes: HACD1 (3-hydroxyacyl-CoA dehydratase 1; minus strand), LOC130003454 (ATAC-STARR-seq lymphoblastoid silent region 2183; plus strand). Cytogenetic location: 10p12.33.
Variant type: single nucleotide variant.
Coding change: c.111G>A on transcript NM_014241.4 (MANE Select); coding-DNA position 111, G replaced by A.
Protein change: p.Ala37=; no amino-acid change (alanine 37 retained).
Molecular consequence: synonymous variant.
Genome position (GRCh38, 1-based): chr10:17,617,229, C>T on the plus strand (G>A on the coding strand, the complement: HACD1 is on the minus strand). VCF-style: chr10-17617229-C-T. GRCh37 (hg19) VCF-style: chr10-17659228-C-T.
Identifiers: ClinVar variation 2640333 (VCV002640333.24), dbSNP rs1554818262, ClinGen allele CA468412009.

ClinVar aggregate classification (germline): Likely benign (1 of 4 stars; one submission).

Allele frequency attached by ClinVar (database versions not stated): gnomAD exomes 0.00001.
gnomAD v4.1: 4 of 1,491,156 alleles (0.00027%); highest among the groups gnomAD compares: Non-Finnish European, 0.00036%; no homozygotes.

Submission:

CeGaT Center for Human Genetics Tuebingen
Classification: Likely benign. Last evaluated: 2023-02-01. Review status: criteria provided, single submitter. Criteria: CeGaT Center For Human Genetics Tuebingen Variant Classification Criteria Version 2. Collection method: clinical testing. Allele origin: germline. Affected: yes. Observed: 1 variant allele.
Comment: HACD1: BP4, BP7